The following is an entry in ClinVar:

ClinVar aggregate classification (germline): Uncertain significance (1 of 4 stars; one submission).

Conditions:
Cardiovascular phenotype. Identifiers: MedGen CN230736.

Allele frequency attached by ClinVar (database versions not stated): gnomAD exomes below 0.00001.
gnomAD v4.1: 1 of 1,601,248 alleles (0.000062%); highest among the groups gnomAD compares: Non-Finnish European, 0.000085%; no homozygotes.

Submission:

Ambry Genetics
Classification: Uncertain significance for Cardiovascular phenotype. Last evaluated: 2023-03-16. Review status: criteria provided, single submitter. Criteria: Ambry Variant Classification Scheme 2023. Collection method: clinical testing. Allele origin: germline.
Comment: The p.Q117P variant (also known as c.350A>C), located in coding exon 2 of the NKX2-5 gene, results from an A to C substitution at nucleotide position 350. The glutamine at codon 117 is replaced by proline, an amino acid with similar properties. This amino acid position is conserved. In addition, this alteration is predicted to be tolerated by in silico analysis. Since supporting evidence is limited at this time, the clinical significance of this alteration remains unclear.

NM_004387.4(NKX2-5):c.350A>C (p.Gln117Pro)

Gene: NKX2-5 (NK2 homeobox 5; minus strand). Cytogenetic location: 5q35.1.
Variant type: single nucleotide variant.
Coding change: c.350A>C on transcript NM_004387.4 (MANE Select); coding-DNA position 350, A replaced by C.
Protein change: p.Gln117Pro; replaces glutamine 117 with proline.
Molecular consequence: missense variant. On other transcripts: 3 prime UTR variant (2).
Genome position (GRCh38, 1-based): chr5:173,233,194, T>G on the plus strand (A>C on the coding strand, the complement: NKX2-5 is on the minus strand). VCF-style: chr5-173233194-T-G. GRCh37 (hg19) VCF-style: chr5-172660197-T-G.
Other names: c.*303A>C (NM_001166175.2); c.*149A>C (NM_001166176.2); short protein forms Q117P.
Identifiers: ClinVar variation 2566521 (VCV002566521.2), dbSNP rs1761366273, ClinGen allele CA362162038.
Genomic context (GRCh38, chr5:173,233,194, plus strand): 5'-CGTCGCGCCCGGGGCCGCTCCGCGTTGTCCGCCTCTGTCTTCTCCAGCTCCACCGCCTTC[T>G]GCAGCGCGCACAGCTCTGAGGGGGAACAGAGAGGCAGAGAGACGCTTGGTAAGAGCGGCT-3'
Protein context (NP_004378.1, residues 107-127): RAEKKELCAL[Gln117Pro]KAVELEKTEA